The following is an entry in ClinVar:

ClinVar aggregate classification (germline): Uncertain significance. Review status: criteria provided, multiple submitters, no conflicts (2 of 4 stars). 2 submissions from 2 submitters: Uncertain significance (2). Last evaluated 2023-09-04.

Allele frequency attached by ClinVar (database versions not stated): TOPMed 0.00003.

Submissions (2):

Blueprint Genetics
Classification: Uncertain significance. Last evaluated: 2023-09-04. Review status: criteria provided, single submitter. Criteria: ACMG Guidelines, 2015. Collection method: clinical testing. Allele origin: germline.

Labcorp Genetics (formerly Invitae), Labcorp
Classification: Uncertain significance. Last evaluated: 2022-07-11. Review status: criteria provided, single submitter. Criteria: Invitae Variant Classification Sherloc (09022015). Collection method: clinical testing. Allele origin: germline.
Comment: This sequence change replaces arginine, which is basic and polar, with proline, which is neutral and non-polar, at codon 94 of the CABP4 protein (p.Arg94Pro). This variant is present in population databases (rs143040005, gnomAD 0.009%). This variant has not been reported in the literature in individuals affected with CABP4-related conditions. ClinVar contains an entry for this variant (Variation ID: 840932). Algorithms developed to predict the effect of missense changes on protein structure and function are either unavailable or do not agree on the potential impact of this missense change (SIFT: "Deleterious"; PolyPhen-2: "Possibly Damaging"; Align-GVGD: "Class C0"). In summary, the available evidence is currently insufficient to determine the role of this variant in disease. Therefore, it has been classified as a Variant of Uncertain Significance.

NM_145200.5(CABP4):c.281G>C (p.Arg94Pro)

Gene: CABP4 (calcium binding protein 4; plus strand). Cytogenetic location: 11q13.2.
Variant type: single nucleotide variant.
Coding change: c.281G>C on transcript NM_145200.5 (MANE Select); coding-DNA position 281, G replaced by C.
Protein change: p.Arg94Pro; replaces arginine 94 with proline.
Molecular consequence: missense variant. On other transcripts: 5 prime UTR variant (2), non-coding transcript variant (1), intron variant (1).
Genome position (GRCh38, 1-based): chr11:67,455,704, G>C. VCF-style: chr11-67455704-G-C. GRCh37 (hg19) VCF-style: chr11-67223175-G-C.
Other names: c.-103G>C (NM_001300895.3); c.-117G>C (NM_001379183.1); c.-112-5G>C (NM_001300896.3); short protein forms R94P.
Identifiers: ClinVar variation 840932 (VCV000840932.10), dbSNP rs143040005, ClinGen allele CA6140123.